The following is an entry in ClinVar:

NM_000257.4(MYH7):c.4134C>T (p.Asp1378=)

Gene: MYH7 (myosin heavy chain 7; minus strand). Cytogenetic location: 14q11.2.
Variant type: single nucleotide variant.
Coding change: c.4134C>T on transcript NM_000257.4 (MANE Select); coding-DNA position 4134, C replaced by T.
Protein change: p.Asp1378=; no amino-acid change (aspartic acid 1378 retained).
Molecular consequence: synonymous variant.
Genome position (GRCh38, 1-based): chr14:23,418,245, G>A on the plus strand (C>T on the coding strand, the complement: MYH7 is on the minus strand). VCF-style: chr14-23418245-G-A. GRCh37 (hg19) VCF-style: chr14-23887454-G-A.
Other names: c.4134C>T (LRG_384t1).
Identifiers: ClinVar variation 264306 (VCV000264306.24), dbSNP rs770630028, ClinGen allele CA040474.
Genomic context (GRCh38, chr14:23,418,245, plus strand): 5'-AGAAGTCAGGCTGCTCAGAACTCACTTGGCCTCCTCGAGCTCCTCAGTCCGCTGAATGGC[G>A]TCCGTCTCATACTTGGTCCTCCACTGGGCCACCTCCGAGTTGGCCTTGGAAAGGACGCGC-3'
Protein context (NP_000248.2, residues 1368-1388): VAQWRTKYET[Asp1378=]AIQRTEELEE

ClinVar aggregate classification (germline): Conflicting classifications of pathogenicity. Review status: criteria provided, conflicting classifications (1 of 4 stars). 9 submissions from 7 submitters: Uncertain significance (2); Benign (2); Likely benign (5). Last evaluated 2026-01-19.

Conditions:
Myosin storage myopathy (CMYO7A). Also called: MYH7-related late-onset scapuloperoneal muscular dystrophy; Congenital myopathy 7A, myosin storage, autosomal dominant; MYOPATHY, HYALINE BODY, AUTOSOMAL DOMINANT; MYOPATHY WITH LYSIS OF TYPE I MYOFIBRILS; SCAPULOPERONEAL MUSCULAR DYSTROPHY; SCAPULOPERONEAL SYNDROME, MYOPATHIC TYPE. Identifiers: Orphanet 437572, Orphanet 636965, MedGen C1842160, MONDO:0008409, OMIM 608358.
Cardiovascular phenotype. Identifiers: MedGen CN230736.
Cardiomyopathy (CMYO). Also called: Cardiomyopathies. Identifiers: Orphanet 167848, MedGen C0878544, MONDO:0004994, HP:0001638. Inheritance: Various modes of inheritance.
MYH7-related skeletal myopathy. Also called: Laing distal myopathy; Myopathy, distal, 1; Laing early-onset distal myopathy; MYOPATHY, DISTAL, EARLY-ONSET, AUTOSOMAL DOMINANT; MYOPATHY, LATE DISTAL HEREDITARY. Identifiers: Orphanet 59135, MedGen C4552004, MONDO:0008050, OMIM 160500.
Hypertrophic cardiomyopathy 1 (CMH1). Also called: MYH7-Related Familial Hypertrophic Cardiomyopathy; Familial hypertrophic cardiomyopathy 1. Identifiers: MedGen C3495498, MONDO:0008647, OMIM 192600.
Hypertrophic cardiomyopathy. Also called: HYPERTROPHIC MYOCARDIOPATHY. Identifiers: Orphanet 217569, MedGen C0007194, MeSH D002312, MONDO:0005045, HP:0001639.

Allele frequency attached by ClinVar (database versions not stated): gnomAD 0.00002 and 0.00005; TOPMed 0.00002; gnomAD exomes 0.00009 and 0.00014; ExAC 0.00013.

Submissions (9):

Labcorp Genetics (formerly Invitae), Labcorp
Classification: Benign for Hypertrophic cardiomyopathy. Last evaluated: 2026-01-19. Review status: criteria provided, single submitter. Criteria: Invitae Variant Classification Sherloc (09022015). Collection method: clinical testing. Allele origin: germline.

Blueprint Genetics
Classification: Likely benign. Last evaluated: 2024-08-19. Review status: criteria provided, single submitter. Criteria: ACMG Guidelines, 2015. Collection method: clinical testing. Allele origin: germline.

All of Us Research Program, National Institutes of Health
Classification: Likely benign for Cardiomyopathy. Last evaluated: 2024-02-05. Review status: criteria provided, single submitter. Criteria: ACMG Guidelines, 2015. Collection method: clinical testing. Allele origin: germline. Inheritance: Autosomal dominant inheritance. Observed: 7 variant alleles, 7 heterozygotes.
Comment: This study involves interpretation of variants in research participants for the purpose of population health screening. Participant phenotype was not available at the time of variant classification. Additional details can be found in publication PMID: 35346344, PMCID: PMC8962531

Color Diagnostics, LLC DBA Color Health
Classification: Likely benign for Cardiomyopathy. Last evaluated: 2019-01-20. Review status: criteria provided, single submitter. Criteria: ACMG Guidelines, 2015. Collection method: clinical testing. Allele origin: germline.

Illumina Laboratory Services, Illumina
Classification: Uncertain significance for Hypertrophic cardiomyopathy 1. Last evaluated: 2017-04-27. Review status: criteria provided, single submitter. Criteria: ICSL Variant Classification Criteria 13 December 2019. Collection method: clinical testing. Allele origin: germline.

Illumina Laboratory Services, Illumina
Classification: Benign for MYH7-related skeletal myopathy. Last evaluated: 2017-04-27. Review status: criteria provided, single submitter. Criteria: ICSL Variant Classification Criteria 13 December 2019. Collection method: clinical testing. Allele origin: germline.
Comment: This variant was observed as part of a predisposition screen in an ostensibly healthy population. A literature search was performed for the gene, cDNA change, and amino acid change (where applicable). No publications were found based on this search. Allele frequency data from public databases was too high to be consistent with this variant causing disease. Therefore, this variant is classified as benign.

Illumina Laboratory Services, Illumina
Classification: Uncertain significance for Myosin storage myopathy. Last evaluated: 2017-04-27. Review status: criteria provided, single submitter. Criteria: ICSL Variant Classification Criteria 13 December 2019. Collection method: clinical testing. Allele origin: germline.

GeneDx
Classification: Likely benign. Last evaluated: 2017-02-17. Review status: criteria provided, single submitter. Criteria: GeneDx Variant Classification (06012015). Collection method: clinical testing. Allele origin: germline. Affected: yes.
Comment: This variant is considered likely benign or benign based on one or more of the following criteria: it is a conservative change, it occurs at a poorly conserved position in the protein, it is predicted to be benign by multiple in silico algorithms, and/or has population frequency not consistent with disease.

Ambry Genetics
Classification: Likely benign for Cardiovascular phenotype. Last evaluated: 2015-08-21. Review status: criteria provided, single submitter. Criteria: Ambry Variant Classification Scheme 2023. Collection method: clinical testing. Allele origin: germline.